The following is an entry in ClinVar:

NM_001351303.2(ZDHHC11B):c.1014G>A (p.Ser338=)

Gene: ZDHHC11B (zDHHC palmitoyltransferase 11B (putative); minus strand). Cytogenetic location: 5p15.33.
Variant type: single nucleotide variant.
Coding change: c.1014G>A on transcript NM_001351303.2 (MANE Select); coding-DNA position 1014, G replaced by A.
Protein change: p.Ser338=; no amino-acid change (serine 338 retained).
Molecular consequence: synonymous variant. On other transcripts: non-coding transcript variant (2).
Genome position (GRCh38, 1-based): chr5:733,761, C>T on the plus strand (G>A on the coding strand, the complement: ZDHHC11B is on the minus strand). VCF-style: chr5-733761-C-T. GRCh37 (hg19) VCF-style: chr5-733876-C-T.
Identifiers: ClinVar variation 3388360 (VCV003388360.14).

ClinVar aggregate classification (germline): Likely benign (1 of 4 stars; one submission).

gnomAD v4.1: 444 of 1,610,994 alleles (0.028%); highest among the groups gnomAD compares: Middle Eastern, 0.066%; 8 homozygotes.

Submission:

CeGaT Center for Human Genetics Tuebingen
Classification: Likely benign. Last evaluated: 2024-10-01. Review status: criteria provided, single submitter. Criteria: CeGaT Center For Human Genetics Tuebingen Variant Classification Criteria Version 2. Collection method: clinical testing. Allele origin: germline. Affected: yes. Observed: 1 variant allele.
Comment: ZDHHC11B: BP4, BP7